The following is an entry in ClinVar:

ClinVar aggregate classification (germline): Pathogenic/Likely pathogenic. Review status: criteria provided, multiple submitters, no conflicts (2 of 4 stars). 4 submissions from 4 submitters: Pathogenic (3); Likely pathogenic (1). Last evaluated 2025-10-20.

Conditions:
Ataxia-telangiectasia syndrome (AT). Also called: Cerebello-oculocutaneous telangiectasia; Immunodeficiency with ataxia telangiectasia; Ataxia telangiectasia (A-T); Ataxia-telangiectasia, complementation group E; LOUIS-BAR SYNDROME; Ataxia-telangiectasia. Identifiers: Orphanet 100, MedGen C0004135, MONDO:0008840, OMIM 208900.
Hereditary cancer-predisposing syndrome. Also called: Hereditary neoplastic syndrome; Tumor predisposition; Hereditary Cancer Syndrome; Neoplastic Syndromes, Hereditary. Identifiers: Orphanet 140162, MedGen C0027672, MeSH D009386, MONDO:0015356.
Familial cancer of breast. Also called: hereditary breast carcinoma; BREAST CANCER, FAMILIAL; Hereditary breast cancer. Identifiers: Orphanet 227535, MedGen C0346153, MONDO:0016419, OMIM 114480. Disease mechanism: loss of function.

Submissions (4):

Labcorp Genetics (formerly Invitae), Labcorp
Classification: Pathogenic for Ataxia-telangiectasia syndrome. Last evaluated: 2025-10-20. Review status: criteria provided, single submitter. Criteria: Invitae Variant Classification Sherloc (09022015). Collection method: clinical testing. Allele origin: germline.
Comment: This sequence change creates a premature translational stop signal (p.Asn1094Ilefs*15) in the ATM gene. It is expected to result in an absent or disrupted protein product. Loss-of-function variants in ATM are known to be pathogenic (PMID: 23807571, 25614872). This variant is present in population databases (rs776516754, gnomAD 0.007%). This variant has not been reported in the literature in individuals affected with ATM-related conditions. ClinVar contains an entry for this variant (Variation ID: 581217). For these reasons, this variant has been classified as Pathogenic.

Myriad Genetics, Inc.
Classification: Pathogenic for Familial cancer of breast. Last evaluated: 2024-01-19. Review status: criteria provided, single submitter. Criteria: Myriad Autosomal Dominant, Autosomal Recessive and X-Linked Classification Criteria (2023). Collection method: clinical testing. Allele origin: unknown.
Comment: This variant is considered pathogenic. This variant creates a frameshift predicted to result in premature protein truncation.

Baylor Genetics
Classification: Likely pathogenic for Familial cancer of breast. Last evaluated: 2020-12-25. Review status: criteria provided, single submitter. Criteria: ACMG Guidelines, 2015. Collection method: clinical testing. Allele origin: unknown.

Ambry Genetics
Classification: Pathogenic for Hereditary cancer-predisposing syndrome. Last evaluated: 2020-08-10. Review status: criteria provided, single submitter. Criteria: Ambry Variant Classification Scheme 2023. Collection method: clinical testing. Allele origin: germline.
Comment: The c.3281delA pathogenic mutation, located in coding exon 21 of the ATM gene, results from a deletion of one nucleotide at nucleotide position 3281, causing a translational frameshift with a predicted alternate stop codon (p.N1094Ifs*15). This alteration is expected to result in loss of function by premature protein truncation or nonsense-mediated mRNA decay. As such, this alteration is interpreted as a disease-causing mutation.

Literature cited by the submitters: PubMed 23807571 (cited by Labcorp Genetics (formerly Invitae), Labcorp); PubMed 25614872 (cited by Labcorp Genetics (formerly Invitae), Labcorp).

NM_000051.4(ATM):c.3281del (p.Asn1094fs)

Gene: ATM (ATM serine/threonine kinase; plus strand). Cytogenetic location: 11q22.3.
Variant type: Deletion.
Coding change: c.3281del on transcript NM_000051.4 (MANE Select); coding-DNA position 3281, one base deleted (A; older notation c.3281delA).
Protein change: p.Asn1094fs; shifts the reading frame from asparagine 1094.
Molecular consequence: frameshift variant.
Genome position (GRCh38, 1-based): chr11:108,272,849, A deleted; the last of 2 consecutive A bases (chr11:108,272,848-108,272,849); deleting either gives the same sequence. VCF-style (leftmost placement, unchanged base first): chr11-108272847-CA-C. GRCh37 (hg19) VCF-style: chr11-108143574-CA-C.
Other names: c.3281del, p.Asn1094fs (NM_001351834.2); c.3281delA (NM_000051.3); short protein forms N1094fs.
Identifiers: ClinVar variation 581217 (VCV000581217.10), dbSNP rs776516754, ClinGen allele CA6265239.